The following is an entry in ClinVar:

ClinVar aggregate classification (germline): Benign. Review status: criteria provided, multiple submitters, no conflicts (2 of 4 stars). 2 submissions from 2 submitters: Benign (2). Last evaluated 2019-04-19.

Allele frequency attached by ClinVar (database versions not stated): ESP Exome Variant Server 0.62848; gnomAD 0.64426 and 0.64689; ExAC 0.64477; gnomAD exomes 0.64687; TOPMed 0.64778; 1000 Genomes Project 30x 0.70112; 1000 Genomes Project 0.70627.
gnomAD v4.1: 983,196 of 1,612,068 alleles (61%); highest among the groups gnomAD compares: East Asian, 76%; 303,334 homozygotes.

Submissions (2):

GeneDx
Classification: Benign. Last evaluated: 2019-04-19. Review status: criteria provided, single submitter. Criteria: GeneDx Variant Classification Process June 2021. Collection method: clinical testing. Allele origin: germline. Affected: yes.
Comment: This variant is associated with the following publications: (PMID: 30679340)

Breakthrough Genomics
Classification: Benign. Review status: criteria provided, single submitter. Criteria: ACMG Guidelines, 2015. Collection method: not provided. Allele origin: germline. Inheritance: Unknown mechanism. Affected: yes.

NM_206956.3(PRAME):c.19T>C (p.Trp7Arg)

Genes: IGL (immunoglobulin lambda locus; plus strand), PRAME (PRAME nuclear receptor transcriptional regulator; minus strand). Cytogenetic location: 22q11.22.
Variant type: single nucleotide variant.
Coding change: c.19T>C on transcript NM_206956.3 (MANE Select); coding-DNA position 19, T replaced by C.
Protein change: p.Trp7Arg; replaces tryptophan 7 with arginine.
Molecular consequence: missense variant. On other transcripts: intron variant (2).
Genome position (GRCh38, 1-based): chr22:22,556,814, A>G on the plus strand (T>C on the coding strand, the complement: PRAME is on the minus strand). VCF-style: chr22-22556814-A-G. GRCh37 (hg19) VCF-style: chr22-22899234-A-G.
Other names: c.19T>C, p.Trp7Arg (NM_001291715.2, NM_001291716.2, NM_006115.5 and 3 more transcripts); c.-28+731T>C (NM_001291717.2, NM_001291719.2); short protein forms W7R.
Identifiers: ClinVar variation 1296948 (VCV001296948.3), dbSNP rs1129172, ClinGen allele CA10132694.
Genomic context (GRCh38, chr22:22,556,814, plus strand): 5'-GGACAGAGGGGAACAGGGCTTCTCTGAGCACCTCAGACAGCTCAGGGGACCTTCTTACCC[A>G]CAAACGCCTTCGTTCCATTTTGAAGCGACTTAGGCTGGCCTCAGGACCTCCAACGCTTGG-3'
Protein context (NP_996839.1, residues 1-17): MERRRL[Trp7Arg]GSIQSRYISM